The following is an entry in ClinVar:

ClinVar aggregate classification (germline): Conflicting classifications of pathogenicity. Review status: criteria provided, conflicting classifications (1 of 4 stars). 2 submissions from 2 submitters: Uncertain significance (1); Benign (1). Last evaluated 2025-08-11.

Conditions:
Familial thoracic aortic aneurysm and aortic dissection (TAAD). Also called: Thoracic aortic aneurysms and dissections. Identifiers: Orphanet 91387, MedGen C4707243, MONDO:0019625.
Adams-Oliver syndrome 5 (AOS5). Identifiers: Orphanet 974, MedGen C4014970, MONDO:0014459, OMIM 616028.

Allele frequency attached by ClinVar (database versions not stated): ExAC 0.00001; gnomAD 0.00001; gnomAD exomes 0.00002 and 0.00003; TOPMed 0.00003.
gnomAD v4.1: 44 of 1,611,366 alleles (0.0027%); highest among the groups gnomAD compares: Non-Finnish European, 0.0036%; no homozygotes.

Submissions (2):

Ambry Genetics
Classification: Uncertain significance for Familial thoracic aortic aneurysm and aortic dissection. Last evaluated: 2025-08-11. Review status: criteria provided, single submitter. Criteria: Ambry Variant Classification Scheme 2023. Collection method: clinical testing. Allele origin: germline.
Comment: The p.T825M variant (also known as c.2474C>T), located in coding exon 16 of the NOTCH1 gene, results from a C to T substitution at nucleotide position 2474. The threonine at codon 825 is replaced by methionine, an amino acid with similar properties. This amino acid position is not well conserved in available vertebrate species. In addition, this alteration is predicted to be tolerated by in silico analysis. Based on the available evidence, the clinical significance of this variant remains unclear.

Labcorp Genetics (formerly Invitae), Labcorp
Classification: Benign for Adams-Oliver syndrome 5. Last evaluated: 2025-05-27. Review status: criteria provided, single submitter. Criteria: Invitae Variant Classification Sherloc (09022015). Collection method: clinical testing. Allele origin: germline.

NM_017617.5(NOTCH1):c.2474C>T (p.Thr825Met)

Gene: NOTCH1 (notch receptor 1; minus strand). Cytogenetic location: 9q34.3.
Variant type: single nucleotide variant.
Coding change: c.2474C>T on transcript NM_017617.5 (MANE Select); coding-DNA position 2474, C replaced by T.
Protein change: p.Thr825Met; replaces threonine 825 with methionine.
Molecular consequence: missense variant.
Genome position (GRCh38, 1-based): chr9:136,511,265, G>A on the plus strand (C>T on the coding strand, the complement: NOTCH1 is on the minus strand). VCF-style: chr9-136511265-G-A. GRCh37 (hg19) VCF-style: chr9-139405717-G-A.
Other names: short protein forms T825M.
Identifiers: ClinVar variation 950881 (VCV000950881.10), dbSNP rs754775789, ClinGen allele CA5341297.
Genomic context (GRCh38, chr9:136,511,265, plus strand): 5'-CTGCACTCCCCGCCGTTTCTGCAGGGGCTGGGGGCACACGGGGCCAGCACCACCTCACAC[G>A]TGGCACCTGCGGGAAGGAGACACACGTGACCCCGGGAGCCTCACCCAGAGGGATCTCCCA-3'
Protein context (NP_060087.3, residues 815-835): CNCLLPYTGA[Thr825Met]CEVVLAPCAP